The following is an entry in ClinVar:

NM_001035.3(RYR2):c.11069C>T (p.Ala3690Val)

Gene: RYR2 (ryanodine receptor 2; plus strand). Cytogenetic location: 1q43.
Variant type: single nucleotide variant.
Coding change: c.11069C>T on transcript NM_001035.3 (MANE Select); coding-DNA position 11069, C replaced by T.
Protein change: p.Ala3690Val; replaces alanine 3690 with valine.
Molecular consequence: missense variant.
Genome position (GRCh38, 1-based): chr1:237,733,734, C>T. VCF-style: chr1-237733734-C-T. GRCh37 (hg19) VCF-style: chr1-237897034-C-T.
Other names: short protein forms A3690V.
Identifiers: ClinVar variation 2007815 (VCV002007815.4), dbSNP rs2527092612, ClinGen allele CA345419210.

ClinVar aggregate classification (germline): Uncertain significance (1 of 4 stars; one submission).

Conditions:
Catecholaminergic polymorphic ventricular tachycardia 1. Also called: RYR2-Related Catecholaminergic Polymorphic Ventricular Tachycardia; VENTRICULAR TACHYCARDIA, CATECHOLAMINERGIC POLYMORPHIC, 1, WITH OR WITHOUT ATRIAL DYSFUNCTION AND/OR DILATED CARDIOMYOPATHY; VENTRICULAR TACHYCARDIA, STRESS-INDUCED POLYMORPHIC 1. Identifiers: Orphanet 3286, MedGen C1631597, MONDO:0011484, OMIM 604772.

Submission:

Labcorp Genetics (formerly Invitae), Labcorp
Classification: Uncertain significance for Catecholaminergic polymorphic ventricular tachycardia 1. Last evaluated: 2024-12-25. Review status: criteria provided, single submitter. Criteria: Invitae Variant Classification Sherloc (09022015). Collection method: clinical testing. Allele origin: germline.
Comment: This sequence change replaces alanine, which is neutral and non-polar, with valine, which is neutral and non-polar, at codon 3690 of the RYR2 protein (p.Ala3690Val). This variant is not present in population databases (gnomAD no frequency). This variant has not been reported in the literature in individuals affected with RYR2-related conditions. ClinVar contains an entry for this variant (Variation ID: 2007815). Invitae Evidence Modeling of protein sequence and biophysical properties (such as structural, functional, and spatial information, amino acid conservation, physicochemical variation, residue mobility, and thermodynamic stability) indicates that this missense variant is expected to disrupt RYR2 protein function with a positive predictive value of 80%. In summary, the available evidence is currently insufficient to determine the role of this variant in disease. Therefore, it has been classified as a Variant of Uncertain Significance.